The following is an entry in ClinVar:

ClinVar aggregate classification (germline): Uncertain significance. Review status: criteria provided, multiple submitters, no conflicts (2 of 4 stars). 2 submissions from 2 submitters: Uncertain significance (2). Last evaluated 2026-09-01.

Conditions:
Inborn genetic diseases. Identifiers: MedGen C0950123, MeSH D030342.

Allele frequency attached by ClinVar (database versions not stated): TOPMed below 0.00001.
gnomAD v4.1: 1 of 1,609,072 alleles (0.000062%); highest among the groups gnomAD compares: African/African-American, 0.0013%; no homozygotes.

Submissions (2):

Ambry Genetics
Classification: Uncertain significance for Inborn genetic diseases. Last evaluated: 2026-09-01. Review status: criteria provided, single submitter. Criteria: Ambry Variant Classification Scheme 2023. Collection method: clinical testing. Allele origin: germline.
Comment: The c.1732T>C (p.Y578H) alteration is located in exon 17 (coding exon 17) of the KIF2A gene. This alteration results from a T to C substitution at nucleotide position 1732, causing the tyrosine (Y) at amino acid position 578 to be replaced by a histidine (H). Based on data from gnomAD, the C allele has an overall frequency of <0.001% (0/247820) total alleles studied. The highest observed frequency was <0.001% (/) of alleles. Based on insufficient or conflicting evidence, the clinical significance of this alteration remains unclear.

Labcorp Genetics (formerly Invitae), Labcorp
Classification: Uncertain significance. Last evaluated: 2023-08-31. Review status: criteria provided, single submitter. Criteria: Invitae Variant Classification Sherloc (09022015). Collection method: clinical testing. Allele origin: germline.
Comment: This sequence change replaces tyrosine, which is neutral and polar, with histidine, which is basic and polar, at codon 578 of the KIF2A protein (p.Tyr578His). This variant is not present in population databases (gnomAD no frequency). This variant has not been reported in the literature in individuals affected with KIF2A-related conditions. An algorithm developed to predict the effect of missense changes on protein structure and function (PolyPhen-2) suggests that this variant is likely to be disruptive. In summary, the available evidence is currently insufficient to determine the role of this variant in disease. Therefore, it has been classified as a Variant of Uncertain Significance.

NM_001098511.3(KIF2A):c.1732T>C (p.Tyr578His)

Gene: KIF2A (kinesin family member 2A; plus strand). Cytogenetic location: 5q12.1.
Variant type: single nucleotide variant.
Coding change: c.1732T>C on transcript NM_001098511.3 (MANE Select); coding-DNA position 1732, T replaced by C.
Protein change: p.Tyr578His; replaces tyrosine 578 with histidine.
Molecular consequence: missense variant. On other transcripts: intron variant (3).
Genome position (GRCh38, 1-based): chr5:62,372,523, T>C. VCF-style: chr5-62372523-T-C. GRCh37 (hg19) VCF-style: chr5-61668350-T-C.
Other names: c.1566-1164T>C (NM_001243952.2); c.1647-1164T>C (NM_004520.5); c.1590-1164T>C (NM_001243953.2); c.1732T>C (NM_001098511.2); short protein forms Y578H.
Identifiers: ClinVar variation 2983997 (VCV002983997.4), dbSNP rs761049749, ClinGen allele CA359952301.